The following is an entry in ClinVar:

NM_000019.4(ACAT1):c.*6dup

Gene: ACAT1 (acetyl-CoA acetyltransferase 1; plus strand). Cytogenetic location: 11q22.3.
Variant type: Duplication.
Coding change: c.*6dup on transcript NM_000019.4 (MANE Select); 6 bases downstream of the stop codon, one base duplicated (C; older notation c.*6dupC).
Molecular consequence: 3 prime UTR variant.
Genome position (GRCh38, 1-based): chr11:108,147,396, C duplicated; the last of 2 consecutive C bases (chr11:108,147,395-108,147,396); duplicating either gives the same sequence. VCF-style (leftmost placement, unchanged base first): chr11-108147394-A-AC. GRCh37 (hg19) VCF-style: chr11-108018121-A-AC.
Other names: c.*6dup (LRG_1400t1); c.*6dupC (NM_000019.4).
Identifiers: ClinVar variation 283778 (VCV000283778.11), dbSNP rs111390656, ClinGen allele CA6263420.

ClinVar aggregate classification (germline): Benign. Review status: criteria provided, multiple submitters, no conflicts (2 of 4 stars). 4 submissions from 4 submitters: Benign (3). 1 of the submissions does not count toward it. Last evaluated 2018-02-05.

Conditions:
Deficiency of acetyl-CoA acetyltransferase. Also called: 3-KETOTHIOLASE DEFICIENCY; 3-OXOTHIOLASE DEFICIENCY; MITOCHONDRIAL ACETOACETYL-CoA THIOLASE DEFICIENCY; Beta-ketothiolase deficiency. Identifiers: Orphanet 134, MedGen C1536500, MONDO:0008760, OMIM 203750. Disease mechanism: loss of function.

Submissions (4):

Women's Health and Genetics/Laboratory Corporation of America, LabCorp
Classification: Benign. Last evaluated: 2018-02-05. Review status: criteria provided, single submitter. Criteria: LabCorp Variant Classification Summary - May 2015. Collection method: clinical testing. Allele origin: germline.
Comment: Variant summary: ACAT1 c.*6dupC is located in the untranslated mRNA region downstream of the termination codon. MutationTaster predicts no impact on Poly(A) signal and the variant to be a polymorphism. The variant allele was found at a frequency of 0.0077 in 2132/276872 control chromosomes in the gnomAD database, including 50 homozygotes. The observed variant frequency is approximately 2.67 fold of the estimated maximal expected allele frequency for a pathogenic variant in ACAT1 causing Alpha-methylacetoacetic aciduria phenotype (0.0029), strongly suggesting that the variant is benign. To our knowledge, no occurrence of c.*6dupC in individuals affected with Alpha-methylacetoacetic aciduria and no experimental evidence demonstrating its impact on protein function have been reported. Two clinical diagnostic laboratories have submitted clinical-significance assessments for this variant to ClinVar after 2014 without evidence for independent evaluation. All laboratories classified the variant as benign/likely benign. Based on the evidence outlined above, the variant was classified as benign.

Eurofins Ntd Llc (ga)
Classification: Benign. Last evaluated: 2015-10-13. Review status: criteria provided, single submitter. Criteria: EGL Classification Definitions. Collection method: clinical testing. Allele origin: germline. Observed: 1 variant allele.

GeneDx
Classification: Benign. Last evaluated: 2015-03-03. Review status: criteria provided, single submitter. Criteria: GeneDx Variant Classification Process June 2021. Collection method: clinical testing. Allele origin: germline. Affected: yes.

Natera, Inc.
Classification: Benign for Alpha-methylacetoacetic aciduria. Last evaluated: 2020-09-16. Review status: no assertion criteria provided. Collection method: clinical testing. Allele origin: germline. Not counted in ClinVar's aggregate classification.